The following is an entry in ClinVar:

NM_015557.3(CHD5):c.4483C>A (p.Leu1495Ile)

Gene: CHD5 (chromodomain helicase DNA binding protein 5; minus strand). Cytogenetic location: 1p36.31.
Variant type: single nucleotide variant.
Coding change: c.4483C>A on transcript NM_015557.3 (MANE Select); coding-DNA position 4483, C replaced by A.
Protein change: p.Leu1495Ile; replaces leucine 1495 with isoleucine.
Molecular consequence: missense variant.
Genome position (GRCh38, 1-based): chr1:6,124,573, G>T on the plus strand (C>A on the coding strand, the complement: CHD5 is on the minus strand). VCF-style: chr1-6124573-G-T. GRCh37 (hg19) VCF-style: chr1-6184633-G-T.
Other names: short protein forms L1495I.
Identifiers: ClinVar variation 3899780 (VCV003899780.1).
Genomic context (GRCh38, chr1:6,124,573, plus strand): 5'-CCACCTTCTTCCTAACTAGTGACATGACCCCGATGCGGGTCAGCACGTGCTGCCTGGAGA[G>T]GCCCTCCCGGGGCACGCCGTCTGCGAAGGTCTCTGCACCATCCGCCCCCGGCTCACACAG-3'
Protein context (NP_056372.1, residues 1485-1505): TFADGVPREG[Leu1495Ile]SRQHVLTRIG

ClinVar aggregate classification (germline): Uncertain significance (1 of 4 stars; one submission).

Submission:

GeneDx
Classification: Uncertain significance. Last evaluated: 2024-11-14. Review status: criteria provided, single submitter. Criteria: GeneDx Variant Classification Process June 2021. Collection method: clinical testing. Allele origin: germline. Affected: yes.
Comment: Not observed at significant frequency in large population cohorts (gnomAD); In silico analysis indicates that this missense variant does not alter protein structure/function; Has not been previously published as pathogenic or benign to our knowledge